The following is an entry in ClinVar:

ClinVar aggregate classification (germline): Uncertain significance (1 of 4 stars; one submission).

Allele frequency attached by ClinVar (database versions not stated): 1000 Genomes Project 30x 0.00016; 1000 Genomes Project 0.00020.
gnomAD v4.1: 18 of 1,613,084 alleles (0.0011%); highest among the groups gnomAD compares: Middle Eastern, 0.017%; no homozygotes.

Submission:

Labcorp Genetics (formerly Invitae), Labcorp
Classification: Uncertain significance. Last evaluated: 2024-04-22. Review status: criteria provided, single submitter. Criteria: Invitae Variant Classification Sherloc (09022015). Collection method: clinical testing. Allele origin: germline.
Comment: This sequence change replaces arginine, which is basic and polar, with serine, which is neutral and polar, at codon 100 of the TRAPPC6B protein (p.Arg100Ser). This variant is present in population databases (rs200536399, gnomAD 0.02%). This variant has not been reported in the literature in individuals affected with TRAPPC6B-related conditions. ClinVar contains an entry for this variant (Variation ID: 1901107). An algorithm developed to predict the effect of missense changes on protein structure and function (PolyPhen-2) suggests that this variant is likely to be tolerated. In summary, the available evidence is currently insufficient to determine the role of this variant in disease. Therefore, it has been classified as a Variant of Uncertain Significance.

NM_001079537.2(TRAPPC6B):c.298C>A (p.Arg100Ser)

Gene: TRAPPC6B (trafficking protein particle complex subunit 6B; minus strand). Cytogenetic location: 14q21.1.
Variant type: single nucleotide variant.
Coding change: c.298C>A on transcript NM_001079537.2 (MANE Select); coding-DNA position 298, C replaced by A.
Protein change: p.Arg100Ser; replaces arginine 100 with serine.
Molecular consequence: missense variant. On other transcripts: intron variant (1).
Genome position (GRCh38, 1-based): chr14:39,154,264, G>T on the plus strand (C>A on the coding strand, the complement: TRAPPC6B is on the minus strand). VCF-style: chr14-39154264-G-T. GRCh37 (hg19) VCF-style: chr14-39623468-G-T.
Other names: c.268-2425C>A (NM_177452.4); short protein forms R100S.
Identifiers: ClinVar variation 1901107 (VCV001901107.5), dbSNP rs200536399, ClinGen allele CA7162786.
Genomic context (GRCh38, chr14:39,154,264, plus strand): 5'-TAAATACCTTAGATGCATGTTCTAAATACTGTTTTCCTGCAGACATCTGAGTAAGCAGGC[G>T]AAATTTGTTGTCCTGAAGTACATAGATGCCCTGTTCCAAAAATAGAAAAAAAATCCAAAG-3'
Protein context (NP_001073005.1, residues 90-110): GIYVLQDNKF[Arg100Ser]LLTQMSAGKQ